The following is an entry in ClinVar:

ClinVar aggregate classification (germline): Conflicting classifications of pathogenicity. Review status: criteria provided, conflicting classifications (1 of 4 stars). 3 submissions from 3 submitters: Likely pathogenic (1); Uncertain significance (2). Last evaluated 2026-08-21.

Conditions:
Familial adenomatous polyposis 2. Also called: FAP type 2; MUTYH Polyposis; COLORECTAL ADENOMATOUS POLYPOSIS, AUTOSOMAL RECESSIVE; MUTYH-associated polyposis; MUTYH-related attenuated familial adenomatous polyposis; ADENOMAS, MULTIPLE COLORECTAL, AUTOSOMAL RECESSIVE. Identifiers: Orphanet 220460, Orphanet 247798, MedGen C3272841, MONDO:0012041, OMIM 608456.
Hereditary cancer-predisposing syndrome. Also called: Hereditary Cancer Syndrome; Hereditary neoplastic syndrome; Neoplastic Syndromes, Hereditary; Tumor predisposition. Identifiers: Orphanet 140162, MedGen C0027672, MeSH D009386, MONDO:0015356.

Allele frequency attached by ClinVar (database versions not stated): gnomAD exomes below 0.00001.
gnomAD v4.1: 3 of 1,614,088 alleles (0.00019%); highest among the groups gnomAD compares: South Asian, 0.0033%; no homozygotes.

Submissions (3):

Ambry Genetics
Classification: Likely pathogenic for Hereditary cancer-predisposing syndrome. Last evaluated: 2026-08-21. Review status: criteria provided, single submitter. Criteria: Ambry Variant Classification Scheme 2023. Collection method: clinical testing. Allele origin: germline.
Comment: The c.504+5G>C intronic variant results from a G to C substitution 5 nucleotides after coding exon 6 in the MUTYH gene. This nucleotide position is well conserved in available vertebrate species. In silico splice site analysis predicts that this alteration will weaken the native splice donor site. RNA studies have demonstrated that this variant results in abnormal splicing in the set of samples tested (Ambry internal data). Based on the majority of available evidence to date, this variant is likely to be pathogenic.

Labcorp Genetics (formerly Invitae), Labcorp
Classification: Uncertain significance for Familial adenomatous polyposis 2. Last evaluated: 2025-01-08. Review status: criteria provided, single submitter. Criteria: Invitae Variant Classification Sherloc (09022015). Collection method: clinical testing. Allele origin: germline.
Comment: This sequence change falls in intron 6 of the MUTYH gene. It does not directly change the encoded amino acid sequence of the MUTYH protein. It affects a nucleotide within the consensus splice site. This variant is present in population databases (no rsID available, gnomAD 0.006%). This variant has not been reported in the literature in individuals affected with MUTYH-related conditions. ClinVar contains an entry for this variant (Variation ID: 2890385). Variants that disrupt the consensus splice site are a relatively common cause of aberrant splicing (PMID: 17576681, 9536098). Algorithms developed to predict the effect of sequence changes on RNA splicing suggest that this variant may disrupt the consensus splice site. In summary, the available evidence is currently insufficient to determine the role of this variant in disease. Therefore, it has been classified as a Variant of Uncertain Significance.

All of Us Research Program, National Institutes of Health
Classification: Uncertain significance for Familial adenomatous polyposis 2. Last evaluated: 2023-06-08. Review status: criteria provided, single submitter. Criteria: ACMG Guidelines, 2015. Collection method: clinical testing. Allele origin: germline. Inheritance: Autosomal recessive inheritance. Observed: 1 variant allele, 1 heterozygote.
Comment: This variant causes a G to C nucleotide substitution at the +5 position of intron 6 of the MUTYH gene. Splice site prediction tools predict that this variant may have a significant impact on RNA splicing. To our knowledge, functional studies have not been reported for this variant. This variant has not been reported in individuals affected with hereditary cancer in the literature. This variant has been identified in 2/250658 chromosomes in the general population by the Genome Aggregation Database (gnomAD). The available evidence is insufficient to determine the role of this variant in disease conclusively. Therefore, this variant is classified as a Variant of Uncertain Significance.

This study involves interpretation of variants in research participants for the purpose of population health screening. Participant phenotype was not available at the time of variant classification. Additional details can be found in publication PMID: 35346344, PMCID: PMC8962531

Literature cited by the submitters: PubMed 17576681 (cited by Labcorp Genetics (formerly Invitae), Labcorp); PubMed 9536098 (cited by Labcorp Genetics (formerly Invitae), Labcorp).

NM_001048174.2(MUTYH):c.420+5G>C

Gene: MUTYH (mutY DNA glycosylase; minus strand). Cytogenetic location: 1p34.1.
Variant type: single nucleotide variant.
Coding change: c.420+5G>C on transcript NM_001048174.2 (MANE Select); 5 bases into the intron after coding-DNA position 420, G replaced by C.
Molecular consequence: intron variant.
Genome position (GRCh38, 1-based): chr1:45,332,913, C>G on the plus strand (G>C on the coding strand, the complement: MUTYH is on the minus strand). VCF-style: chr1-45332913-C-G. GRCh37 (hg19) VCF-style: chr1-45798585-C-G.
Other names: c.504+5G>C (NM_001128425.1, NM_001128425.2); c.420+5G>C (NM_001407072.1, NM_001048171.2, NM_001407070.1 and 5 more transcripts); c.75+5G>C (NM_001350651.2, NM_001350650.2, NM_001407082.1); c.144+5G>C (NM_001293192.2, NM_001293196.2, NM_001407091.1); c.421-79G>C (NM_001407073.1); c.465+5G>C (NM_001293190.2); c.454-79G>C (NM_001407069.1); c.495+5G>C (NM_012222.3); and 7 more.
Identifiers: ClinVar variation 2890385 (VCV002890385.5), dbSNP rs1325104263, ClinGen allele CA522810463.